The following is an entry in ClinVar:

NM_001379500.1(COL18A1):c.334A>G (p.Thr112Ala)

Gene: COL18A1 (collagen type XVIII alpha 1 chain; plus strand). Cytogenetic location: 21q22.3.
Variant type: single nucleotide variant.
Coding change: c.334A>G on transcript NM_001379500.1 (MANE Select); coding-DNA position 334, A replaced by G.
Protein change: p.Thr112Ala; replaces threonine 112 with alanine.
Molecular consequence: missense variant.
Genome position (GRCh38, 1-based): chr21:45,468,469, A>G. VCF-style: chr21-45468469-A-G. GRCh37 (hg19) VCF-style: chr21-46888383-A-G.
Other names: c.874A>G, p.Thr292Ala (NM_030582.4); c.1579A>G, p.Thr527Ala (NM_130444.3); short protein forms T292A, T527A, T112A.
Identifiers: ClinVar variation 2069601 (VCV002069601.4), dbSNP rs766350173, ClinGen allele CA10065723.

ClinVar aggregate classification (germline): Uncertain significance (1 of 4 stars; one submission).

Allele frequency attached by ClinVar (database versions not stated): gnomAD exomes below 0.00001; ExAC 0.00001.
gnomAD v4.1: 2 of 1,614,090 alleles (0.00012%); highest among the groups gnomAD compares: Non-Finnish European, 0.00017%; no homozygotes.

Submission:

Labcorp Genetics (formerly Invitae), Labcorp
Classification: Uncertain significance. Last evaluated: 2025-03-17. Review status: criteria provided, single submitter. Criteria: Invitae Variant Classification Sherloc (09022015). Collection method: clinical testing. Allele origin: germline.
Comment: This sequence change replaces threonine, which is neutral and polar, with alanine, which is neutral and non-polar, at codon 112 of the COL18A1 protein (p.Thr112Ala). This variant is present in population databases (rs766350173, gnomAD 0.0009%). This variant has not been reported in the literature in individuals affected with COL18A1-related conditions. ClinVar contains an entry for this variant (Variation ID: 2069601). Experimental studies and prediction algorithms are not available or were not evaluated, and the functional significance of this variant is currently unknown. In summary, the available evidence is currently insufficient to determine the role of this variant in disease. Therefore, it has been classified as a Variant of Uncertain Significance.